The following is an entry in ClinVar:

NM_000548.5(TSC2):c.1869C>T (p.Ala623=)

Gene: TSC2 (TSC complex subunit 2; plus strand). Cytogenetic location: 16p13.3.
Variant type: single nucleotide variant.
Coding change: c.1869C>T on transcript NM_000548.5 (MANE Select); coding-DNA position 1869, C replaced by T.
Protein change: p.Ala623=; no amino-acid change (alanine 623 retained).
Molecular consequence: synonymous variant.
Genome position (GRCh38, 1-based): chr16:2,071,539, C>T. VCF-style: chr16-2071539-C-T. GRCh37 (hg19) VCF-style: chr16-2121540-C-T.
Other names: p.A623A:GCC>GCT; p.Ala623Ala; c.1869C>T, p.Ala623= (NM_001077183.3, NM_001114382.3, NM_001363528.2 and 3 more transcripts); c.1758C>T, p.Ala586= (NM_001318827.2); c.1722C>T, p.Ala574= (NM_001318829.2); c.1269C>T, p.Ala423= (NM_001318831.2); c.1902C>T, p.Ala634= (NM_001318832.2); c.1869C>T (NM_000548.4).
Identifiers: ClinVar variation 137740 (VCV000137740.85), dbSNP rs111244727, ClinGen allele CA016106.

ClinVar aggregate classification (germline): Benign/Likely benign. Review status: criteria provided, multiple submitters, no conflicts (2 of 4 stars). 19 submissions from 19 submitters: Benign (15); Likely benign (4). Last evaluated 2026-02-03.

Conditions:
Lymphangiomyomatosis (LAM). Also called: Lymphangioleiomyomatosis, somatic; Lymphangioleiomyomatosis. Identifiers: Orphanet 538, MedGen C0751674, MONDO:0011705, OMIM 606690.
Tuberous sclerosis 2 (TSC2). Identifiers: Orphanet 805, MedGen C1860707, MONDO:0013199, OMIM 613254.
Isolated focal cortical dysplasia type II (FCORD2). Also called: Focal cortical dysplasia type II; CORTICAL DYSPLASIA OF TAYLOR. Identifiers: Orphanet 268994, MedGen C1846385, MONDO:0011818, OMIM 607341, HP:0032051.
Hereditary cancer-predisposing syndrome. Also called: Tumor predisposition; Hereditary neoplastic syndrome; Hereditary Cancer Syndrome; Neoplastic Syndromes, Hereditary. Identifiers: Orphanet 140162, MedGen C0027672, MeSH D009386, MONDO:0015356.
Tuberous sclerosis syndrome (TSC). Also called: Tuberous Sclerosis Complex; Tuberous sclerosis. Identifiers: Orphanet 805, MedGen C0041341, MONDO:0001734.

Allele frequency attached by ClinVar (database versions not stated): 1000 Genomes Project 0.00060; 1000 Genomes Project 30x 0.00062; TOPMed 0.00194; ESP Exome Variant Server 0.00215.
gnomAD v4.1: 532 of 1,613,564 alleles (0.033%); highest among the groups gnomAD compares: African/African-American, 0.59%; 1 homozygote.

Submissions (19):

Labcorp Genetics (formerly Invitae), Labcorp
Classification: Benign for Tuberous sclerosis 2. Last evaluated: 2026-02-03. Review status: criteria provided, single submitter. Criteria: Invitae Variant Classification Sherloc (09022015). Collection method: clinical testing. Allele origin: germline.

CeGaT Center for Human Genetics Tuebingen
Classification: Likely benign. Last evaluated: 2025-10-01. Review status: criteria provided, single submitter. Criteria: CeGaT Center For Human Genetics Tuebingen Variant Classification Criteria Version 2. Collection method: clinical testing. Allele origin: germline. Affected: yes. Observed: 2 variant alleles.
Comment: TSC2: BP4, BP7

Myriad Genetics, Inc.
Classification: Benign for Tuberous sclerosis 2. Last evaluated: 2025-05-16. Review status: criteria provided, single submitter. Criteria: Myriad Autosomal Dominant, Autosomal Recessive and X-Linked Classification Criteria (2023). Collection method: clinical testing. Allele origin: unknown.
Comment: This variant is considered benign. This variant is a silent/synonymous amino acid change and it is not expected to impact splicing.

Women's Health and Genetics/Laboratory Corporation of America, LabCorp
Classification: Benign. Last evaluated: 2025-04-11. Review status: criteria provided, single submitter. Criteria: LabCorp Variant Classification Summary - May 2015. Collection method: clinical testing. Allele origin: germline.

Blueprint Genetics
Classification: Likely benign. Last evaluated: 2024-11-25. Review status: criteria provided, single submitter. Criteria: ACMG Guidelines, 2015. Collection method: clinical testing. Allele origin: germline.

ARUP Laboratories, Molecular Genetics and Genomics, ARUP Laboratories
Classification: Benign. Last evaluated: 2024-08-30. Review status: criteria provided, single submitter. Criteria: ARUP Molecular Germline Variant Investigation Process 2024. Collection method: clinical testing. Allele origin: germline.

All of Us Research Program, National Institutes of Health
Classification: Benign for Tuberous sclerosis syndrome. Last evaluated: 2024-02-05. Review status: criteria provided, single submitter. Criteria: ACMG Guidelines, 2015. Collection method: clinical testing. Allele origin: germline. Inheritance: Autosomal dominant inheritance. Observed: 101 variant alleles, 101 heterozygotes.
Comment: This study involves interpretation of variants in research participants for the purpose of population health screening. Participant phenotype was not available at the time of variant classification. Additional details can be found in publication PMID: 35346344, PMCID: PMC8962531

KCCC/NGS Laboratory, Kuwait Cancer Control Center
Classification: Benign for Tuberous sclerosis 2. Last evaluated: 2023-07-07. Review status: criteria provided, single submitter. Criteria: ACMG Guidelines, 2015. Collection method: clinical testing. Allele origin: germline. Affected: yes.

Color Diagnostics, LLC DBA Color Health
Classification: Benign for Tuberous sclerosis syndrome. Last evaluated: 2022-09-22. Review status: criteria provided, single submitter. Criteria: ACMG Guidelines, 2015. Collection method: clinical testing. Allele origin: germline.

Genome-Nilou Lab
Classification: Benign for Tuberous sclerosis 2. Last evaluated: 2021-11-07. Review status: criteria provided, single submitter. Criteria: ACMG Guidelines, 2015. Collection method: clinical testing. Allele origin: germline. Affected: no.

Fulgent Genetics
Classification: Likely benign for Lymphangiomyomatosis; Isolated focal cortical dysplasia type II; Tuberous sclerosis 2. Last evaluated: 2021-09-30. Review status: criteria provided, single submitter. Criteria: ACMG Guidelines, 2015. Collection method: clinical testing. Allele origin: unknown.

Sema4
Classification: Benign for Hereditary cancer-predisposing syndrome. Last evaluated: 2020-12-16. Review status: criteria provided, single submitter. Criteria: Sema4 Curation Guidelines. Collection method: curation. Allele origin: germline.

Athena Diagnostics
Classification: Benign. Last evaluated: 2019-11-01. Review status: criteria provided, single submitter. Criteria: Athena Diagnostics Criteria. Collection method: clinical testing. Allele origin: unknown.

Quest Diagnostics Nichols Institute San Juan Capistrano
Classification: Benign. Last evaluated: 2019-11-01. Review status: criteria provided, single submitter. Criteria: Quest Diagnostics criteria. Collection method: clinical testing. Allele origin: unknown.

Eurofins Ntd Llc (ga)
Classification: Benign. Last evaluated: 2015-02-06. Review status: criteria provided, single submitter. Criteria: EGL Classification Definitions 2015. Collection method: clinical testing. Allele origin: germline. Observed: 1 variant allele, 1 heterozygote.

Ambry Genetics
Classification: Likely benign for Hereditary cancer-predisposing syndrome. Last evaluated: 2014-10-15. Review status: criteria provided, single submitter. Criteria: Ambry Variant Classification Scheme 2023. Collection method: clinical testing. Allele origin: germline.

GeneDx
Classification: Benign. Last evaluated: 2013-08-06. Review status: criteria provided, single submitter. Criteria: GeneDx Variant Classification (06012015). Collection method: clinical testing. Allele origin: germline. Affected: yes.
Comment: This variant is considered likely benign or benign based on one or more of the following criteria: it is a conservative change, it occurs at a poorly conserved position in the protein, it is predicted to be benign by multiple in silico algorithms, and/or has population frequency not consistent with disease.

Laboratory for Molecular Medicine, Mass General Brigham Personalized Medicine
Classification: Benign. Last evaluated: 2013-02-21. Review status: criteria provided, single submitter. Criteria: LMM Criteria. Collection method: clinical testing. Allele origin: germline. Observed: 1 variant allele.
Comment: Ala623Ala in exon 18 of TSC2: This variant is not expected to have clinical sign ificance because it does not alter an amino acid residue and is not located with in the splice consensus sequence. It has been identified in 0.6% (28/4396) of Af rican American chromosomes from a broad population by the NHLBI Exome Sequencing Project.

PreventionGenetics, part of Exact Sciences
Classification: Benign. Review status: criteria provided, single submitter. Criteria: ACMG Guidelines, 2015. Collection method: clinical testing. Allele origin: germline.